The following is an entry in ClinVar:

ClinVar aggregate classification (germline): Conflicting classifications of pathogenicity. Review status: criteria provided, conflicting classifications (1 of 4 stars). 4 submissions from 4 submitters: Uncertain significance (3); Likely benign (1). Last evaluated 2025-01-14.

Conditions:
Hereditary cancer-predisposing syndrome. Also called: Neoplastic Syndromes, Hereditary; Hereditary Cancer Syndrome; Tumor predisposition; Hereditary neoplastic syndrome. Identifiers: Orphanet 140162, MedGen C0027672, MeSH D009386, MONDO:0015356.
Peutz-Jeghers syndrome (PJS). Also called: Peutz-Jeghers polyposis; Periorificial lentiginosis syndrome; POLYPOSIS, HAMARTOMATOUS INTESTINAL; POLYPS-AND-SPOTS SYNDROME. Identifiers: Orphanet 2869, MedGen C0031269, MeSH D010580, MONDO:0008280, OMIM 175200.

Allele frequency attached by ClinVar (database versions not stated): TOPMed below 0.00001; gnomAD 0.00001; gnomAD exomes 0.00002 and 0.00001; ExAC 0.00002.
gnomAD v4.1: 9 of 1,613,406 alleles (0.00056%); highest among the groups gnomAD compares: South Asian, 0.0077%; no homozygotes.

Submissions (4):

Ambry Genetics
Classification: Likely benign for Hereditary cancer-predisposing syndrome. Last evaluated: 2025-01-14. Review status: criteria provided, single submitter. Criteria: Ambry Variant Classification Scheme 2023. Collection method: clinical testing. Allele origin: germline.

Labcorp Genetics (formerly Invitae), Labcorp
Classification: Uncertain significance for Peutz-Jeghers syndrome. Last evaluated: 2024-08-02. Review status: criteria provided, single submitter. Criteria: Invitae Variant Classification Sherloc (09022015). Collection method: clinical testing. Allele origin: germline.
Comment: This sequence change replaces isoleucine, which is neutral and non-polar, with methionine, which is neutral and non-polar, at codon 99 of the STK11 protein (p.Ile99Met). This variant is present in population databases (rs559620061, gnomAD 0.01%). This variant has not been reported in the literature in individuals affected with STK11-related conditions. ClinVar contains an entry for this variant (Variation ID: 142382). Advanced modeling of protein sequence and biophysical properties (such as structural, functional, and spatial information, amino acid conservation, physicochemical variation, residue mobility, and thermodynamic stability) has been performed at Invitae for this missense variant, however the output from this modeling did not meet the statistical confidence thresholds required to predict the impact of this variant on STK11 protein function. In summary, the available evidence is currently insufficient to determine the role of this variant in disease. Therefore, it has been classified as a Variant of Uncertain Significance.

GeneDx
Classification: Uncertain significance. Last evaluated: 2023-11-15. Review status: criteria provided, single submitter. Criteria: GeneDx Variant Classification Process June 2021. Collection method: clinical testing. Allele origin: germline.
Comment: Not observed at significant frequency in large population cohorts (gnomAD); In silico analysis supports that this missense variant has a deleterious effect on protein structure/function; Has not been previously published as pathogenic or benign to our knowledge; This variant is associated with the following publications: (PMID: 24830819, 15863673)

Genome-Nilou Lab
Classification: Uncertain significance for Peutz-Jeghers syndrome. Last evaluated: 2021-07-15. Review status: criteria provided, single submitter. Criteria: ACMG Guidelines, 2015. Collection method: clinical testing. Allele origin: germline. Affected: no.

NM_000455.5(STK11):c.297T>G (p.Ile99Met)

Gene: STK11 (serine/threonine kinase 11; plus strand). Cytogenetic location: 19p13.3.
Variant type: single nucleotide variant.
Coding change: c.297T>G on transcript NM_000455.5 (MANE Select); coding-DNA position 297, T replaced by G.
Protein change: p.Ile99Met; replaces isoleucine 99 with methionine.
Molecular consequence: missense variant.
Genome position (GRCh38, 1-based): chr19:1,218,423, T>G. VCF-style: chr19-1218423-T-G. GRCh37 (hg19) VCF-style: chr19-1218422-T-G.
Other names: short protein forms I99M.
Identifiers: ClinVar variation 142382 (VCV000142382.20), dbSNP rs559620061, ClinGen allele CA022795.